The following is an entry in ClinVar:

NM_000016.6(ACADM):c.311A>G (p.Asp104Gly)

Gene: ACADM (acyl-CoA dehydrogenase medium chain; plus strand). Cytogenetic location: 1p31.1.
Variant type: single nucleotide variant.
Coding change: c.311A>G on transcript NM_000016.6 (MANE Select); coding-DNA position 311, A replaced by G.
Protein change: p.Asp104Gly; replaces aspartic acid 104 with glycine.
Molecular consequence: missense variant. On other transcripts: intron variant (1).
Genome position (GRCh38, 1-based): chr1:75,733,552, A>G. VCF-style: chr1-75733552-A-G. GRCh37 (hg19) VCF-style: chr1-76199237-A-G.
Other names: c.323A>G, p.Asp108Gly (NM_001127328.3); c.203A>G, p.Asp68Gly (NM_001286042.2); c.410A>G, p.Asp137Gly (NM_001286043.2); c.-100+630A>G (NM_001286044.2); short protein forms D104G, D108G, D137G, D68G.
Identifiers: ClinVar variation 1473955 (VCV001473955.9), dbSNP rs1647187729, ClinGen allele CA340811938.

ClinVar aggregate classification (germline): Likely pathogenic. Review status: criteria provided, multiple submitters, no conflicts (2 of 4 stars). 2 submissions from 2 submitters: Likely pathogenic (2). Last evaluated 2023-12-27.

Conditions:
Medium-chain acyl-coenzyme A dehydrogenase deficiency (ACADMD). Also called: MCADH DEFICIENCY; MCADD; MCAD Deficiency; ACADM DEFICIENCY; CARNITINE DEFICIENCY SECONDARY TO MEDIUM-CHAIN ACYL-CoA DEHYDROGENASE DEFICIENCY; Medium chain acyl-CoA dehydrogenase deficiency. Identifiers: Orphanet 42, MedGen C0220710, MONDO:0008721, OMIM 201450.

Allele frequency attached by ClinVar (database versions not stated): TOPMed below 0.00001.
gnomAD v4.1: 19 of 1,614,072 alleles (0.0012%); highest among the groups gnomAD compares: Non-Finnish European, 0.0016%; no homozygotes.

Submissions (2):

Labcorp Genetics (formerly Invitae), Labcorp
Classification: Likely pathogenic for Medium-chain acyl-coenzyme A dehydrogenase deficiency. Last evaluated: 2023-12-27. Review status: criteria provided, single submitter. Criteria: Invitae Variant Classification Sherloc (09022015). Collection method: clinical testing. Allele origin: germline.
Comment: This sequence change replaces aspartic acid, which is acidic and polar, with glycine, which is neutral and non-polar, at codon 104 of the ACADM protein (p.Asp104Gly). This variant is not present in population databases (gnomAD no frequency). This missense change has been observed in individual(s) with medium-chain acyl-coenzyme A dehydrogenase deficiency (PMID: 16291504). ClinVar contains an entry for this variant (Variation ID: 1473955). Advanced modeling of protein sequence and biophysical properties (such as structural, functional, and spatial information, amino acid conservation, physicochemical variation, residue mobility, and thermodynamic stability) performed at Invitae indicates that this missense variant is not expected to disrupt ACADM protein function with a negative predictive value of 80%. In summary, the currently available evidence indicates that the variant is pathogenic, but additional data are needed to prove that conclusively. Therefore, this variant has been classified as Likely Pathogenic.

Baylor Genetics
Classification: Likely pathogenic for Medium-chain acyl-coenzyme A dehydrogenase deficiency. Last evaluated: 2023-03-11. Review status: criteria provided, single submitter. Criteria: ACMG Guidelines, 2015. Collection method: clinical testing. Allele origin: unknown.

Literature cited by the submitters: PubMed 16291504 (cited by Labcorp Genetics (formerly Invitae), Labcorp).